The following is an entry in ClinVar:

NM_000199.5(SGSH):c.1445C>T (p.Ala482Val)

Gene: SGSH (N-sulfoglucosamine sulfohydrolase; minus strand). Cytogenetic location: 17q25.3.
Variant type: single nucleotide variant.
Coding change: c.1445C>T on transcript NM_000199.5 (MANE Select); coding-DNA position 1445, C replaced by T.
Protein change: p.Ala482Val; replaces alanine 482 with valine.
Molecular consequence: missense variant. On other transcripts: 3 prime UTR variant (2), non-coding transcript variant (1).
Genome position (GRCh38, 1-based): chr17:80,210,516, G>A on the plus strand (C>T on the coding strand, the complement: SGSH is on the minus strand). VCF-style: chr17-80210516-G-A. GRCh37 (hg19) VCF-style: chr17-78184315-G-A.
Other names: c.*532C>T (NM_001352921.3); c.*495C>T (NM_001352922.2); short protein forms A482V.
Identifiers: ClinVar variation 1370564 (VCV001370564.3), dbSNP rs376296818, ClinGen allele CA8817582.

ClinVar aggregate classification (germline): Uncertain significance (1 of 4 stars; one submission).

Conditions:
Mucopolysaccharidosis, MPS-III-A (MPS3A). Also called: Mucopolysaccharidosis, type IIIA; mucopolysaccharidosis type 3A; MPS IIIA (Sanfilippo Syndrome Type A); HEPARAN SULFATE SULFATASE DEFICIENCY; Mucopolysaccharidosis type IIIA (Sanfilippo A); SANFILIPPO SYNDROME A. Identifiers: Orphanet 581, Orphanet 79269, MedGen C0086647, MONDO:0009655, OMIM 252900.

Allele frequency attached by ClinVar (database versions not stated): gnomAD exomes 0.00001; ESP Exome Variant Server 0.00008; ExAC 0.00001.
gnomAD v4.1: 9 of 1,609,778 alleles (0.00056%); highest among the groups gnomAD compares: Non-Finnish European, 0.00076%; no homozygotes.

Submission:

Labcorp Genetics (formerly Invitae), Labcorp
Classification: Uncertain significance for Mucopolysaccharidosis, MPS-III-A. Last evaluated: 2021-10-17. Review status: criteria provided, single submitter. Criteria: Invitae Variant Classification Sherloc (09022015). Collection method: clinical testing. Allele origin: germline.
Comment: This sequence change replaces alanine with valine at codon 482 of the SGSH protein (p.Ala482Val). The alanine residue is highly conserved and there is a small physicochemical difference between alanine and valine. This variant is present in population databases (rs376296818, ExAC 0.002%). This variant has not been reported in the literature in individuals with SGSH-related conditions. Advanced modeling of protein sequence and biophysical properties (such as structural, functional, and spatial information, amino acid conservation, physicochemical variation, residue mobility, and thermodynamic stability) performed at Invitae indicates that this missense variant is expected to disrupt SGSH protein function. In summary, the available evidence is currently insufficient to determine the role of this variant in disease. Therefore, it has been classified as a Variant of Uncertain Significance.